The following is an entry in ClinVar:

ClinVar aggregate classification (germline): Uncertain significance (1 of 4 stars; one submission).

Allele frequency attached by ClinVar (database versions not stated): gnomAD exomes below 0.00001.
gnomAD v4.1: 3 of 1,589,312 alleles (0.00019%); highest among the groups gnomAD compares: South Asian, 0.0023%; no homozygotes.

Submission:

Labcorp Genetics (formerly Invitae), Labcorp
Classification: Uncertain significance. Last evaluated: 2021-10-22. Review status: criteria provided, single submitter. Criteria: Invitae Variant Classification Sherloc (09022015). Collection method: clinical testing. Allele origin: germline.
Comment: Algorithms developed to predict the effect of missense changes on protein structure and function are either unavailable or do not agree on the potential impact of this missense change (SIFT: "Deleterious"; PolyPhen-2: "Possibly Damaging"; Align-GVGD: "Class C0"). In summary, the available evidence is currently insufficient to determine the role of this variant in disease. Therefore, it has been classified as a Variant of Uncertain Significance. This variant has not been reported in the literature in individuals affected with GPR179-related conditions. This variant is not present in population databases (ExAC no frequency). This sequence change replaces proline with glutamine at codon 978 of the GPR179 protein (p.Pro978Gln). The proline residue is moderately conserved and there is a moderate physicochemical difference between proline and glutamine.

NM_001004334.4(GPR179):c.2933C>A (p.Pro978Gln)

Gene: GPR179 (G protein-coupled receptor 179; minus strand). Cytogenetic location: 17q12.
Variant type: single nucleotide variant.
Coding change: c.2933C>A on transcript NM_001004334.4 (MANE Select); coding-DNA position 2933, C replaced by A.
Protein change: p.Pro978Gln; replaces proline 978 with glutamine.
Molecular consequence: missense variant.
Genome position (GRCh38, 1-based): chr17:38,330,636, G>T on the plus strand (C>A on the coding strand, the complement: GPR179 is on the minus strand). VCF-style: chr17-38330636-G-T. GRCh37 (hg19) VCF-style: chr17-36486519-G-T.
Other names: short protein forms P978Q.
Identifiers: ClinVar variation 1473599 (VCV001473599.6), dbSNP rs1278830027, ClinGen allele CA398881134.
Genomic context (GRCh38, chr17:38,330,636, plus strand): 5'-GCGTTCTCCCAGGGGCAGATGTAGGTGAGTAAGTTGGGGCTTTGTGGGGATACTGGGACT[G>T]GTGCCAGGGCAGGGGCTGGGGTTGGAGCTAGAGCTGGCAGCAGAGCTGGAGCCAAGGTGG-3'
Protein context (NP_001004334.3, residues 968-988): LAPTPAPALA[Pro978Gln]VPVSPQSPNL